The following is an entry in ClinVar:

NM_004006.3(DMD):c.264+3A>G

Gene: DMD (dystrophin; minus strand). Cytogenetic location: Xp21.1.
Variant type: single nucleotide variant.
Coding change: c.264+3A>G on transcript NM_004006.3 (MANE Select); 3 bases into the intron after coding-DNA position 264, A replaced by G.
Molecular consequence: intron variant.
Genome position (GRCh38, 1-based): chrX:32,844,780, T>C on the plus strand (A>G on the coding strand, the complement: DMD is on the minus strand). VCF-style: chrX-32844780-T-C. GRCh37 (hg19) VCF-style: chrX-32862897-T-C.
Other names: c.240+3A>G (NM_000109.4); c.252+3A>G (NM_004009.3); c.-106+3A>G (NM_004010.3).
Identifiers: ClinVar variation 965832 (VCV000965832.8), dbSNP rs748003531, ClinGen allele CA10380217.
Genomic context (GRCh38, chrX:32,844,780, plus strand): 5'-CCTCACTCAAACATGAAGCATGCTGTGTCACAGCATCCAGACCTTGTCCAGGGTACTACT[T>C]ACATTATTGTTCTGCAAAACCCGCAGTGCCTTGTTGACATTGTTCAGGGCATGAACTCTT-3'

ClinVar aggregate classification (germline): Uncertain significance (1 of 4 stars; one submission).

Conditions:
Duchenne muscular dystrophy (DMD). Also called: MUSCULAR DYSTROPHY, PSEUDOHYPERTROPHIC PROGRESSIVE, DUCHENNE TYPE; Duchenne Muscular Dystrophy (DMD). Identifiers: Orphanet 98896, MedGen C0013264, MONDO:0010679, OMIM 310200.

Allele frequency attached by ClinVar (database versions not stated): gnomAD exomes below 0.00001 and 0.00001; ExAC 0.00001.
gnomAD v4.1: 1 of 1,205,677 alleles (0.000083%); highest among the groups gnomAD compares: South Asian, 0.0018%; no homozygotes.

Submission:

Labcorp Genetics (formerly Invitae), Labcorp
Classification: Uncertain significance for Duchenne muscular dystrophy. Last evaluated: 2019-10-04. Review status: criteria provided, single submitter. Criteria: Invitae Variant Classification Sherloc (09022015). Collection method: clinical testing. Allele origin: germline.
Comment: This sequence change falls in intron 4 of the DMD gene. It does not directly change the encoded amino acid sequence of the DMD protein, but it affects a nucleotide within the consensus splice site of the intron. This variant is present in population databases (rs748003531, ExAC 0.01%). This variant has not been reported in the literature in individuals with DMD-related conditions. Nucleotide substitutions within the consensus splice site are a relatively common cause of aberrant splicing (PMID: 17576681, 9536098). Algorithms developed to predict the effect of sequence changes on RNA splicing suggest that this variant is not likely to affect RNA splicing, but this prediction has not been confirmed by published transcriptional studies. In summary, the available evidence is currently insufficient to determine the role of this variant in disease. Therefore, it has been classified as a Variant of Uncertain Significance.

Literature cited by the submitters: PubMed 17576681; PubMed 9536098.